The following is an entry in ClinVar:

NM_003000.3(SDHB):c.65_72+16del

Genes: SDHB (succinate dehydrogenase complex iron sulfur subunit B; minus strand), LOC129929542 (ATAC-STARR-seq lymphoblastoid active region 277; plus strand). Cytogenetic location: 1p36.13.
Variant type: Deletion.
Coding change: c.65_72+16del on transcript NM_003000.3 (MANE Select); coding-DNA position 65 through 16 bases into the intron after coding-DNA position 72, 24 bases deleted (GCCTGCAGGTGAGTCCTGGAGCCT).
Molecular consequence: splice donor variant.
Genome position (GRCh38, 1-based): chr1:17,053,932-17,053,955, AGGCTCCAGGACTCACCTGCAGGC deleted on the plus strand (GCCTGCAGGTGAGTCCTGGAGCCT on the coding strand, the reverse complement: SDHB is on the minus strand); deleting any 24 consecutive bases within chr1:17,053,932-17,053,962 gives the same sequence; the c. name uses the placement nearest the transcript's 3' end. VCF-style (leftmost placement, unchanged base first): chr1-17053931-GAGGCTCCAGGACTCACCTGCAGGC-G. GRCh37 (hg19) VCF-style: chr1-17380426-GAGGCTCCAGGACTCACCTGCAGGC-G.
Identifiers: ClinVar variation 1753912 (VCV001753912.3), dbSNP rs2525082757, ClinGen allele CA2580060649.

ClinVar aggregate classification (germline): Likely pathogenic. Review status: criteria provided, multiple submitters, no conflicts (2 of 4 stars). 2 submissions from 2 submitters: Likely pathogenic (2). Last evaluated 2025-11-15.

Conditions:
Pheochromocytoma. Also called: MAX-Related Hereditary Paraganglioma-Pheochromocytoma Syndrome. Identifiers: Orphanet 29072, MedGen C0031511, MONDO:0008233, OMIM 171300, HP:0002666.
Pheochromocytoma/paraganglioma syndrome 4. Also called: CAROTID BODY TUMORS AND MULTIPLE EXTRAADRENAL PHEOCHROMOCYTOMAS; PARAGANGLIOMA, FAMILIAL MALIGNANT; PARAGANGLIOMAS, HEREDITARY EXTRAADRENAL; PHEOCHROMOCYTOMA, FAMILIAL EXTRAADRENAL; Paragangliomas 4; SDHB-Related Hereditary Paraganglioma-Pheochromocytoma Syndrome (Paragangliomas 4). Identifiers: Orphanet 29072, MedGen C1861848, MONDO:0007273, OMIM 115310.
Gastrointestinal stromal tumor. Also called: Gastrointestinal stromal tumor, somatic; Gastrointestinal stroma tumor. Identifiers: Orphanet 44890, MedGen C0238198, MeSH D046152, MONDO:0011719, OMIM 606764, HP:0100723.
Hereditary cancer-predisposing syndrome. Also called: Neoplastic Syndromes, Hereditary; Tumor predisposition; Hereditary Cancer Syndrome; Hereditary neoplastic syndrome. Identifiers: Orphanet 140162, MedGen C0027672, MeSH D009386, MONDO:0015356.

Submissions (2):

Labcorp Genetics (formerly Invitae), Labcorp
Classification: Likely pathogenic for Gastrointestinal stromal tumor; Pheochromocytoma/paraganglioma syndrome 4; Pheochromocytoma. Last evaluated: 2025-11-15. Review status: criteria provided, single submitter. Criteria: Invitae Variant Classification Sherloc (09022015). Collection method: clinical testing. Allele origin: germline.
Comment: This variant results in the deletion of part of exon 1 (c.65_72+16del) of the SDHB gene. It is expected to disrupt RNA splicing. Variants that disrupt the donor or acceptor splice site typically lead to a loss of protein function (PMID: 16199547), and loss-of-function variants in SDHB are known to be pathogenic (PMID: 19454582, 19802898). This variant is not present in population databases (gnomAD no frequency). This variant has not been reported in the literature in individuals affected with SDHB-related conditions. ClinVar contains an entry for this variant (Variation ID: 1753912). In summary, the currently available evidence indicates that the variant is pathogenic, but additional data are needed to prove that conclusively. Therefore, this variant has been classified as Likely Pathogenic.

Ambry Genetics
Classification: Likely pathogenic for Hereditary cancer-predisposing syndrome. Last evaluated: 2021-10-06. Review status: criteria provided, single submitter. Criteria: Ambry Variant Classification Scheme 2023. Collection method: clinical testing. Allele origin: germline.
Comment: The c.65_72+16del24 variant results from a deletion of 24 nucleotides spanning across canonical splice donor site after coding exon 1 of the SDHB gene. This variant was not reported in population-based cohorts in the Genome Aggregation Database (gnomAD). These nucleotide positions are well conserved in available vertebrate species. Using the BDGP and ESEfinder splice site prediction tools, this alteration is predicted to abolish the native splice donor site. In addition, alterations that disrupt the canonical splice site are expected to cause aberrant splicing, resulting in an abnormal protein or a transcript that is subject to nonsense-mediated mRNA decay. Based on the majority of available evidence to date, this variant is likely to be pathogenic.

Literature cited by the submitters: PubMed 16199547 (cited by Labcorp Genetics (formerly Invitae), Labcorp); PubMed 19454582 (cited by Labcorp Genetics (formerly Invitae), Labcorp); PubMed 19802898 (cited by Labcorp Genetics (formerly Invitae), Labcorp).